The following is an entry in ClinVar:

NM_001384140.1(PCDH15):c.3359G>A (p.Arg1120Gln)

Gene: PCDH15 (protocadherin related 15; minus strand). Cytogenetic location: 10q21.1.
Variant type: single nucleotide variant.
Coding change: c.3359G>A on transcript NM_001384140.1 (MANE Select); coding-DNA position 3359, G replaced by A.
Protein change: p.Arg1120Gln; replaces arginine 1120 with glutamine.
Molecular consequence: missense variant.
Genome position (GRCh38, 1-based): chr10:53,938,829, C>T on the plus strand (G>A on the coding strand, the complement: PCDH15 is on the minus strand). VCF-style: chr10-53938829-C-T. GRCh37 (hg19) VCF-style: chr10-55698589-C-T.
Other names: c.3374G>A, p.Arg1125Gln (NM_001142763.2, NM_001142771.2); c.3359G>A, p.Arg1120Gln (NM_001142764.2, NM_001142766.2, NM_001142770.3 and 4 more transcripts); c.3146G>A, p.Arg1049Gln (NM_001142765.2); c.3248G>A, p.Arg1083Gln (NM_001142767.2); c.3293G>A, p.Arg1098Gln (NM_001142768.2, NM_001142773.2, NM_001354404.2); c.3395G>A, p.Arg1132Gln (NM_001142769.4); c.3380G>A, p.Arg1127Gln (NM_001354411.2); short protein forms R1125Q, R1083Q, R1120Q, R1127Q, R1132Q, R1049Q, R1098Q.
Identifiers: ClinVar variation 2141290 (VCV002141290.3), dbSNP rs770213240, ClinGen allele CA5505732.

ClinVar aggregate classification (germline): Uncertain significance. Review status: criteria provided, multiple submitters, no conflicts (2 of 4 stars). 3 submissions from 3 submitters: Uncertain significance (3). Last evaluated 2025-08-23.

Conditions:
Inborn genetic diseases. Identifiers: MedGen C0950123, MeSH D030342.

Allele frequency attached by ClinVar (database versions not stated): ExAC 0.00003; TOPMed 0.00003; gnomAD 0.00005.
gnomAD v4.1: 88 of 1,613,102 alleles (0.0055%); highest among the groups gnomAD compares: South Asian, 0.019%; no homozygotes.

Submissions (3):

Ambry Genetics
Classification: Uncertain significance for Inborn genetic diseases. Last evaluated: 2025-08-23. Review status: criteria provided, single submitter. Criteria: Ambry Variant Classification Scheme 2023. Collection method: clinical testing. Allele origin: germline.

Blueprint Genetics
Classification: Uncertain significance. Last evaluated: 2024-03-19. Review status: criteria provided, single submitter. Criteria: ACMG Guidelines, 2015. Collection method: clinical testing. Allele origin: germline.

Labcorp Genetics (formerly Invitae), Labcorp
Classification: Uncertain significance. Last evaluated: 2021-09-01. Review status: criteria provided, single submitter. Criteria: Invitae Variant Classification Sherloc (09022015). Collection method: clinical testing. Allele origin: germline.
Comment: This sequence change replaces arginine with glutamine at codon 1120 of the PCDH15 protein (p.Arg1120Gln). The arginine residue is highly conserved and there is a small physicochemical difference between arginine and glutamine. This variant is present in population databases (rs770213240, ExAC 0.02%). This variant has not been reported in the literature in individuals affected with PCDH15-related conditions. Algorithms developed to predict the effect of missense changes on protein structure and function are either unavailable or do not agree on the potential impact of this missense change (SIFT: "Tolerated"; PolyPhen-2: "Possibly Damaging"; Align-GVGD: "Class C0"). In summary, the available evidence is currently insufficient to determine the role of this variant in disease. Therefore, it has been classified as a Variant of Uncertain Significance.